The following is an entry in ClinVar:

NM_024757.5(EHMT1):c.311C>T (p.Ala104Val)

Gene: EHMT1 (euchromatic histone lysine methyltransferase 1; plus strand). Cytogenetic location: 9q34.3.
Variant type: single nucleotide variant.
Coding change: c.311C>T on transcript NM_024757.5 (MANE Select); coding-DNA position 311, C replaced by T.
Protein change: p.Ala104Val; replaces alanine 104 with valine.
Molecular consequence: missense variant.
Genome position (GRCh38, 1-based): chr9:137,716,851, C>T. VCF-style: chr9-137716851-C-T. GRCh37 (hg19) VCF-style: chr9-140611303-C-T.
Other names: c.311C>T, p.Ala104Val (NM_001145527.2, NM_001354263.2, NM_001354611.2); c.218C>T, p.Ala73Val (NM_001354259.2, NM_001354612.2); short protein forms A104V, A73V.
Identifiers: ClinVar variation 462992 (VCV000462992.19), dbSNP rs142199482, ClinGen allele CA5374262.
Genomic context (GRCh38, chr9:137,716,851, plus strand): 5'-GCACCAACACACTAACTCGGATAGCGGAAAATGGGGTTTCAGAAAGAGACTCAGAAGCGG[C>T]GAAGCAAAACCACGTCACTGCCGACGACTTTGTGCAGACTTCTGTCATCGGCAGCAACGG-3'
Protein context (NP_079033.4, residues 94-114): NGVSERDSEA[Ala104Val]KQNHVTADDF

ClinVar aggregate classification (germline): Benign/Likely benign. Review status: criteria provided, multiple submitters, no conflicts (2 of 4 stars). 5 submissions from 5 submitters: Benign (2); Likely benign (2). 1 of the submissions does not count toward it. Last evaluated 2025-12-23.

Conditions:
EHMT1-related disorder. Also called: EHMT1-related condition.
Kleefstra syndrome 1 (KLEFS1). Identifiers: Orphanet 261494, MedGen C0795833, MONDO:0027407, OMIM 610253.
Inborn genetic diseases. Identifiers: MedGen C0950123, MeSH D030342.

Allele frequency attached by ClinVar (database versions not stated): 1000 Genomes Project 0.00020; gnomAD 0.00025 and 0.00026; TOPMed 0.00025; 1000 Genomes Project 30x 0.00016; ExAC 0.00016; ESP Exome Variant Server 0.00054.
gnomAD v4.1: 188 of 1,613,248 alleles (0.012%); highest among the groups gnomAD compares: South Asian, 0.067%; no homozygotes.

Submissions (7):

Labcorp Genetics (formerly Invitae), Labcorp
Classification: Benign for Kleefstra syndrome 1. Last evaluated: 2025-12-23. Review status: criteria provided, single submitter. Criteria: Invitae Variant Classification Sherloc (09022015). Collection method: clinical testing. Allele origin: germline.

Revvity Omics, Revvity
Classification: Likely benign for Kleefstra syndrome 1. Last evaluated: 2023-11-10. Review status: criteria provided, single submitter. Criteria: ACMG Guidelines, 2015. Collection method: clinical testing. Allele origin: germline.

Ambry Genetics
Classification: Likely benign for Inborn genetic diseases. Last evaluated: 2023-05-23. Review status: criteria provided, single submitter. Criteria: Ambry Variant Classification Scheme 2023. Collection method: clinical testing. Allele origin: germline.

GeneDx
Classification: Benign. Last evaluated: 2019-04-22. Review status: criteria provided, single submitter. Criteria: GeneDx Variant Classification Process June 2021. Collection method: clinical testing. Allele origin: germline. Affected: yes.

PreventionGenetics, part of Exact Sciences
Classification: Likely benign for EHMT1-related condition. Last evaluated: 2024-02-16. Review status: no assertion criteria provided. Collection method: clinical testing. Allele origin: germline. Not counted in ClinVar's aggregate classification.
Comment: This variant is classified as likely benign based on ACMG/AMP sequence variant interpretation guidelines (Richards et al. 2015 PMID: 25741868, with internal and published modifications).

Dr. Peter K. Rogan Lab, Western University
No classification provided (evidence only). Condition: Melanoma. Review status: no classification provided. Collection method: in vitro. Allele origin: not applicable. Functional consequence: retained intron. Not counted in ClinVar's aggregate classification.

Dr. Peter K. Rogan Lab, Western University
No classification provided (evidence only). Condition: Nonpapillary renal cell carcinoma. Review status: no classification provided. Collection method: in vitro. Allele origin: not applicable. Functional consequence: retained intron. Not counted in ClinVar's aggregate classification.